The following is an entry in ClinVar:

ClinVar aggregate classification (germline): Uncertain significance. Review status: criteria provided, single submitter (1 of 4 stars). 2 submissions from 2 submitters: Uncertain significance (1). 1 of the submissions does not count toward it. Last evaluated 2023-10-27.

Conditions:
Werner syndrome (WRN). Identifiers: Orphanet 902, MedGen C0043119, MONDO:0010196, OMIM 277700.

Allele frequency attached by ClinVar (database versions not stated): gnomAD exomes below 0.00001 and 0.00001.
gnomAD v4.1: 4 of 1,613,734 alleles (0.00025%); highest among the groups gnomAD compares: African/African-American, 0.004%; no homozygotes.

Submissions (2):

Labcorp Genetics (formerly Invitae), Labcorp
Classification: Uncertain significance for Werner syndrome. Last evaluated: 2023-10-27. Review status: criteria provided, single submitter. Criteria: Invitae Variant Classification Sherloc (09022015). Collection method: clinical testing. Allele origin: germline.
Comment: This sequence change replaces leucine, which is neutral and non-polar, with glutamine, which is neutral and polar, at codon 148 of the WRN protein (p.Leu148Gln). This variant is present in population databases (rs587778753, gnomAD 0.007%). This variant has not been reported in the literature in individuals affected with WRN-related conditions. ClinVar contains an entry for this variant (Variation ID: 135444). An algorithm developed to predict the effect of missense changes on protein structure and function (PolyPhen-2) suggests that this variant is likely to be disruptive. In summary, the available evidence is currently insufficient to determine the role of this variant in disease. Therefore, it has been classified as a Variant of Uncertain Significance.

ITMI
No classification provided. Condition: AllHighlyPenetrant. Last evaluated: 2013-09-19. Review status: no classification provided. Collection method: reference population. Allele origin: germline. Not counted in ClinVar's aggregate classification.
Comment: Please see associated publication for description of ethnicities

Literature cited by the submitters: PubMed 24728327 (cited by ITMI).

NM_000553.6(WRN):c.443T>A (p.Leu148Gln)

Gene: WRN (WRN RecQ like helicase; plus strand). Cytogenetic location: 8p12.
Variant type: single nucleotide variant.
Coding change: c.443T>A on transcript NM_000553.6 (MANE Select); coding-DNA position 443, T replaced by A.
Protein change: p.Leu148Gln; replaces leucine 148 with glutamine.
Molecular consequence: missense variant.
Genome position (GRCh38, 1-based): chr8:31,065,002, T>A. VCF-style: chr8-31065002-T-A. GRCh37 (hg19) VCF-style: chr8-30922518-T-A.
Other names: short protein forms L148Q.
Identifiers: ClinVar variation 135444 (VCV000135444.5), dbSNP rs587778753, ClinGen allele CA162782.